The following is an entry in ClinVar:

ClinVar aggregate classification (germline): Uncertain significance (1 of 4 stars; one submission).

Conditions:
INTS6-related disorder. Also called: INTS6-related condition.

Submission:

PreventionGenetics, part of Exact Sciences
Classification: Uncertain significance for INTS6-related condition. Last evaluated: 2025-04-23. Review status: criteria provided, single submitter. Criteria: ACMG Guidelines, 2015. Collection method: clinical testing. Allele origin: germline.
Comment: The INTS6 c.1275+1G>A variant is predicted to disrupt the GT donor site and interfere with normal splicing. To our knowledge, this variant has not been reported in the literature or in a large population database (gnomAD), indicating this variant is rare. At this time, the clinical significance of this variant is uncertain due to the absence of conclusive functional and genetic evidence.

NM_012141.3(INTS6):c.1275+1G>A

Gene: INTS6 (integrator complex subunit 6; minus strand). Cytogenetic location: 13q14.3.
Variant type: single nucleotide variant.
Coding change: c.1275+1G>A on transcript NM_012141.3 (MANE Select); the canonical splice donor site of the intron after coding-DNA position 1275, G replaced by A.
Molecular consequence: splice donor variant.
Genome position (GRCh38, 1-based): chr13:51,382,028, C>T on the plus strand (G>A on the coding strand, the complement: INTS6 is on the minus strand). VCF-style: chr13-51382028-C-T. GRCh37 (hg19) VCF-style: chr13-51956164-C-T.
Other names: c.1236+1G>A (NM_001039937.2); c.741+1G>A (NM_001306091.2).
Identifiers: ClinVar variation 3355607 (VCV003355607.2).
Genomic context (GRCh38, chr13:51,382,028, plus strand): 5'-TGGGATTACAGGCGTGAGTCACTGCGCCCGGCCAACAAGTTCTTTTAAATAATATTCTTA[C>T]CCCAAGATAGTAGGGAGGCATTGTCTTCAAATAACTTTCAAATGACTGTCTCCACTTCAA-3'